The following is an entry in ClinVar:

NM_006031.6(PCNT):c.4447-4C>T

Gene: PCNT (pericentrin; plus strand). Cytogenetic location: 21q22.3.
Variant type: single nucleotide variant.
Coding change: c.4447-4C>T on transcript NM_006031.6 (MANE Select); 4 bases into the intron before coding-DNA position 4447, C replaced by T.
Molecular consequence: intron variant.
Genome position (GRCh38, 1-based): chr21:46,398,010, C>T. VCF-style: chr21-46398010-C-T. GRCh37 (hg19) VCF-style: chr21-47817924-C-T.
Other names: c.4093-4C>T (NM_001315529.2); c.4447-4C>T (NM_006031.5).
Identifiers: ClinVar variation 2877110 (VCV002877110.4), dbSNP rs1166823535, ClinGen allele CA638210522.

ClinVar aggregate classification (germline): Likely benign. Review status: criteria provided, multiple submitters, no conflicts (2 of 4 stars). 2 submissions from 2 submitters: Likely benign (2). Last evaluated 2026-02-07.

Conditions:
PCNT-related disorder. Also called: PCNT-related condition.

Submissions (2):

PreventionGenetics, part of Exact Sciences
Classification: Likely benign for PCNT-related condition. Last evaluated: 2026-02-07. Review status: criteria provided, single submitter. Criteria: ACMG Guidelines, 2015. Collection method: clinical testing. Allele origin: germline.
Comment: This variant is classified as likely benign based on ACMG/AMP sequence variant interpretation guidelines (Richards et al. 2015 PMID: 25741868, with internal and published modifications).

Labcorp Genetics (formerly Invitae), Labcorp
Classification: Likely benign. Last evaluated: 2023-09-01. Review status: criteria provided, single submitter. Criteria: Invitae Variant Classification Sherloc (09022015). Collection method: clinical testing. Allele origin: germline.